The following is an entry in ClinVar:

NM_005188.4(CBL):c.158A>G (p.Lys53Arg)

Genes: CBL (Cbl proto-oncogene; plus strand), LOC130006895 (ATAC-STARR-seq lymphoblastoid silent region 3975; plus strand). Cytogenetic location: 11q23.3.
Variant type: single nucleotide variant.
Coding change: c.158A>G on transcript NM_005188.4 (MANE Select); coding-DNA position 158, A replaced by G.
Protein change: p.Lys53Arg; replaces lysine 53 with arginine.
Molecular consequence: missense variant.
Genome position (GRCh38, 1-based): chr11:119,206,575, A>G. VCF-style: chr11-119206575-A-G. GRCh37 (hg19) VCF-style: chr11-119077285-A-G.
Other names: c.158A>G (NM_005188.2); short protein forms K53R.
Identifiers: ClinVar variation 2778386 (VCV002778386.4), dbSNP rs1565851611, ClinGen allele CA382976469.

ClinVar aggregate classification (germline): Uncertain significance. Review status: criteria provided, multiple submitters, no conflicts (2 of 4 stars). 2 submissions from 2 submitters: Uncertain significance (2). Last evaluated 2025-09-24.

Conditions:
RASopathy. Also called: Noonan spectrum disorder; rasopathies. Identifiers: Orphanet 536391, MedGen C5555857, MONDO:0021060.
Cardiovascular phenotype. Identifiers: MedGen CN230736.

Allele frequency attached by ClinVar (database versions not stated): gnomAD exomes below 0.00001.
gnomAD v4.1: 2 of 1,549,382 alleles (0.00013%); highest among the groups gnomAD compares: Non-Finnish European, 0.00017%; no homozygotes.

Submissions (2):

Labcorp Genetics (formerly Invitae), Labcorp
Classification: Uncertain significance for RASopathy. Last evaluated: 2025-09-24. Review status: criteria provided, single submitter. Criteria: Invitae Variant Classification Sherloc (09022015). Collection method: clinical testing. Allele origin: germline.
Comment: This sequence change replaces lysine, which is basic and polar, with arginine, which is basic and polar, at codon 53 of the CBL protein (p.Lys53Arg). This variant is not present in population databases (gnomAD no frequency). This variant has not been reported in the literature in individuals affected with CBL-related conditions. ClinVar contains an entry for this variant (Variation ID: 2778386). Invitae Evidence Modeling of protein sequence and biophysical properties (such as structural, functional, and spatial information, amino acid conservation, physicochemical variation, residue mobility, and thermodynamic stability) indicates that this missense variant is not expected to disrupt CBL protein function with a negative predictive value of 95%. In summary, the available evidence is currently insufficient to determine the role of this variant in disease. Therefore, it has been classified as a Variant of Uncertain Significance.

Ambry Genetics
Classification: Uncertain significance for Cardiovascular phenotype. Last evaluated: 2025-02-23. Review status: criteria provided, single submitter. Criteria: Ambry Variant Classification Scheme 2023. Collection method: clinical testing. Allele origin: germline.
Comment: The p.K53R variant (also known as c.158A>G), located in coding exon 1 of the CBL gene, results from an A to G substitution at nucleotide position 158. The lysine at codon 53 is replaced by arginine, an amino acid with highly similar properties. This amino acid position is conserved. In addition, this alteration is predicted to be tolerated by in silico analysis. Based on the available evidence, the clinical significance of this variant remains unclear.